The following is an entry in ClinVar:

NM_001127222.2(CACNA1A):c.3310_3315dup (p.Gly1104_Pro1105dup)

Gene: CACNA1A (calcium voltage-gated channel subunit alpha1 A; minus strand). Cytogenetic location: 19p13.13.
Variant type: Duplication.
Coding change: c.3310_3315dup on transcript NM_001127222.2 (MANE Select); coding-DNA positions 3310 to 3315, 6 bases duplicated (GGCCCC; older notation c.3310_3315dupGGCCCC).
Protein change: p.Gly1104_Pro1105dup.
Molecular consequence: inframe insertion.
Genome position (GRCh38, 1-based): chr19:13,286,741-13,286,746, GGGGCC duplicated on the plus strand (GGCCCC on the coding strand, the reverse complement: CACNA1A is on the minus strand); duplicating any 6 consecutive bases within chr19:13,286,741-13,286,750 gives the same sequence; the c. name uses the placement nearest the transcript's 3' end. VCF-style (leftmost placement, unchanged base first): chr19-13286740-T-TGGGGCC. GRCh37 (hg19) VCF-style: chr19-13397554-T-TGGGGCC.
Other names: c.3322_3327dup, p.Gly1108_Pro1109dup (NM_000068.4, NM_023035.3); c.3313_3318dup, p.Gly1105_Pro1106dup (NM_001127221.2, NM_001174080.2); c.3310_3315dupGGCCCC (NM_001127222.1, NM_001127222.2).
Identifiers: ClinVar variation 587505 (VCV000587505.15), dbSNP rs776584949, ClinGen allele CA9240362.

ClinVar aggregate classification (germline): Conflicting classifications of pathogenicity. Review status: criteria provided, conflicting classifications (1 of 4 stars). 5 submissions from 3 submitters: Likely pathogenic (1); Uncertain significance (4). Last evaluated 2022-01-14.

Conditions:
Episodic ataxia type 2 (EA2). Also called: ACETAZOLAMIDE-RESPONSIVE HEREDITARY PAROXYSMAL CEREBELLAR ATAXIA; ATAXIA, EPISODIC, WITH NYSTAGMUS; ATAXIA, FAMILIAL PAROXYSMAL; CEREBELLAR ATAXIA, PAROXYSMAL, ACETAZOLAMIDE-RESPONSIVE; CEREBELLOPATHY, HEREDITARY PAROXYSMAL; EPISODIC ATAXIA, NYSTAGMUS-ASSOCIATED. Identifiers: Orphanet 97, MedGen C1720416, MONDO:0007163, OMIM 108500.
Spinocerebellar ataxia type 6 (SCA6). Identifiers: Orphanet 98758, MedGen C0752124, MONDO:0008457, OMIM 183086.
Developmental and epileptic encephalopathy, 1 (DEE1). Also called: X-linked infantile spasms; West's syndrome; Tonic spasms with clustering, arrest of psychomotor development and hypsarrhythmia on EEG; X-Linked Infantile Spasm Syndrome; Epileptic encephalopathy, early infantile, 1; OHTAHARA SYNDROME, X-LINKED. Identifiers: MedGen C3463992, MONDO:0010632, OMIM 308350. Disease mechanism: loss of function.
Developmental and epileptic encephalopathy, 42 (DEE42A). Also called: DEVELOPMENTAL AND EPILEPTIC ENCEPHALOPATHY 42A; EPILEPTIC ENCEPHALOPATHY, EARLY INFANTILE, 42A; Epileptic encephalopathy, early infantile, 42. Identifiers: MedGen C4310716, MONDO:0014917, OMIM 617106.

Submissions (5):

Labcorp Genetics (formerly Invitae), Labcorp
Classification: Uncertain significance for Developmental and epileptic encephalopathy, 42; Episodic ataxia type 2. Last evaluated: 2022-01-14. Review status: criteria provided, single submitter. Criteria: Invitae Variant Classification Sherloc (09022015). Collection method: clinical testing. Allele origin: germline.
Comment: This variant, c.3313_3318dup, results in the insertion of 2 amino acid(s) of the CACNA1A protein (p.Gly1105_Pro1106dup), but otherwise preserves the integrity of the reading frame. This variant is present in population databases (rs776584949, gnomAD 0.002%). This variant has not been reported in the literature in individuals affected with CACNA1A-related conditions. ClinVar contains an entry for this variant (Variation ID: 587505). Experimental studies and prediction algorithms are not available or were not evaluated, and the functional significance of this variant is currently unknown. In summary, the available evidence is currently insufficient to determine the role of this variant in disease. Therefore, it has been classified as a Variant of Uncertain Significance.

Molecular Medicine for Neurodegenerative and Neuromuscular Diseases Unit, IRCCS Fondazione Stella Maris
Classification: Likely pathogenic for Episodic ataxia type 2. Last evaluated: 2021-01-04. Review status: criteria provided, single submitter. Criteria: ACMG Guidelines, 2015. Collection method: research. Allele origin: unknown. Affected: yes.

Genomic Research Center, Shahid Beheshti University of Medical Sciences
Classification: Uncertain significance for Spinocerebellar ataxia 6. Last evaluated: 2018-08-07. Review status: criteria provided, single submitter. Criteria: ACMG Guidelines, 2015. Collection method: clinical testing. Allele origin: unknown. Affected: yes. Observed: 1 variant allele.

Genomic Research Center, Shahid Beheshti University of Medical Sciences
Classification: Uncertain significance for Episodic ataxia type 2. Last evaluated: 2018-08-07. Review status: criteria provided, single submitter. Criteria: ACMG Guidelines, 2015. Collection method: clinical testing. Allele origin: unknown. Affected: yes. Observed: 1 variant allele.

Genomic Research Center, Shahid Beheshti University of Medical Sciences
Classification: Uncertain significance for Epileptic encephalopathy, early infantile, 1. Last evaluated: 2018-08-07. Review status: criteria provided, single submitter. Criteria: ACMG Guidelines, 2015. Collection method: clinical testing. Allele origin: unknown. Affected: yes. Observed: 1 variant allele.